The following is an entry in ClinVar:

NM_024301.5(FKRP):c.316_317insACGCCCTGGACCGGC (p.Gln105_Pro106insHisAlaLeuAspArg)

Gene: FKRP (fukutin related protein; plus strand). Cytogenetic location: 19q13.32.
Variant type: Insertion.
Coding change: c.316_317insACGCCCTGGACCGGC on transcript NM_024301.5 (MANE Select); coding-DNA positions 316 to 317, ACGCCCTGGACCGGC inserted.
Protein change: p.Gln105_Pro106insHisAlaLeuAspArg.
Molecular consequence: inframe insertion.
Genome position: GRCh38 VCF-style: chr19-46755764-A-AGCACGCCCTGGACCG. GRCh37 (hg19) VCF-style: chr19-47259021-A-AGCACGCCCTGGACCG.
Other names: c.316_317insACGCCCTGGACCGGC, p.Gln105_Pro106insHisAlaLeuAspArg (NM_001039885.3).
Identifiers: ClinVar variation 1970757 (VCV001970757.5), dbSNP rs2513987149, ClinGen allele CA2580097435.

ClinVar aggregate classification (germline): Uncertain significance (1 of 4 stars; one submission).

Conditions:
Walker-Warburg congenital muscular dystrophy. Also called: Muscular dystrophy-dystroglycanopathy, type A; Walker-Warburg syndrome. Identifiers: Orphanet 899, MedGen C0265221, MONDO:0000171.

Submission:

Labcorp Genetics (formerly Invitae), Labcorp
Classification: Uncertain significance for Walker-Warburg congenital muscular dystrophy. Last evaluated: 2025-12-08. Review status: criteria provided, single submitter. Criteria: Invitae Variant Classification Sherloc (09022015). Collection method: clinical testing. Allele origin: germline.
Comment: This variant, c.316_317insACGCCCTGGACCGGC, results in the insertion of 5 amino acid(s) of the FKRP protein (p.Gln105_Pro106insHisAlaLeuAspArg), but otherwise preserves the integrity of the reading frame. This variant is not present in population databases (gnomAD no frequency). This variant has not been reported in the literature in individuals affected with FKRP-related conditions. ClinVar contains an entry for this variant (Variation ID: 1970757). In summary, the available evidence is currently insufficient to determine the role of this variant in disease. Therefore, it has been classified as a Variant of Uncertain Significance.